The following is an entry in ClinVar:

NM_001291303.3(FAT4):c.7052A>G (p.Asn2351Ser)

Gene: FAT4 (FAT atypical cadherin 4; plus strand). Cytogenetic location: 4q28.1.
Variant type: single nucleotide variant.
Coding change: c.7052A>G on transcript NM_001291303.3 (MANE Select); coding-DNA position 7052, A replaced by G.
Protein change: p.Asn2351Ser; replaces asparagine 2351 with serine.
Molecular consequence: missense variant.
Genome position (GRCh38, 1-based): chr4:125,434,278, A>G. VCF-style: chr4-125434278-A-G. GRCh37 (hg19) VCF-style: chr4-126355433-A-G.
Other names: c.7052A>G, p.Asn2351Ser (NM_001291285.3, NM_024582.6); short protein forms N2351S.
Identifiers: ClinVar variation 1302209 (VCV001302209.15), dbSNP rs145105421, ClinGen allele CA3073081.

ClinVar aggregate classification (germline): Benign/Likely benign. Review status: criteria provided, multiple submitters, no conflicts (2 of 4 stars). 6 submissions from 6 submitters: Benign (1); Likely benign (4). 1 of the submissions does not count toward it. Last evaluated 2026-01-22.

Conditions:
FAT4-related disorder. Also called: FAT4-related condition.
Inborn genetic diseases. Identifiers: MedGen C0950123, MeSH D030342.

Allele frequency attached by ClinVar (database versions not stated): gnomAD exomes 0.00008 and 0.00023; ExAC 0.00026; gnomAD 0.00090 and 0.00096; TOPMed 0.00093; 1000 Genomes Project 30x 0.00094; 1000 Genomes Project 0.00100; ESP Exome Variant Server 0.00108.
gnomAD v4.1: 257 of 1,613,986 alleles (0.016%); highest among the groups gnomAD compares: African/African-American, 0.32%; no homozygotes.

Submissions (6):

Labcorp Genetics (formerly Invitae), Labcorp
Classification: Benign. Last evaluated: 2026-01-22. Review status: criteria provided, single submitter. Criteria: Invitae Variant Classification Sherloc (09022015). Collection method: clinical testing. Allele origin: germline.

Ambry Genetics
Classification: Likely benign for Inborn genetic diseases. Last evaluated: 2025-08-23. Review status: criteria provided, single submitter. Criteria: Ambry Variant Classification Scheme 2023. Collection method: clinical testing. Allele origin: germline.

Blueprint Genetics
Classification: Likely benign. Last evaluated: 2024-11-25. Review status: criteria provided, single submitter. Criteria: ACMG Guidelines, 2015. Collection method: clinical testing. Allele origin: germline.

Women's Health and Genetics/Laboratory Corporation of America, LabCorp
Classification: Likely benign. Last evaluated: 2024-04-29. Review status: criteria provided, single submitter. Criteria: LabCorp Variant Classification Summary - May 2015. Collection method: clinical testing. Allele origin: germline.
Comment: Variant summary: FAT4 c.7052A>G (p.Asn2351Ser) results in a conservative amino acid change located in the Cadherin-like (IPR002126) of the encoded protein sequence. Five of five in-silico tools predict a benign effect of the variant on protein function. The variant allele was found at a frequency of 0.00023 in 251196 control chromosomes, predominantly at a frequency of 0.0034 within the African or African-American subpopulation in the gnomAD database. The observed variant frequency within African or African-American control individuals in the gnomAD database strongly suggests that the variant is a benign polymorphism found primarily in populations of African or African-American origin. To our knowledge, no occurrence of c.7052A>G in individuals affected with FAT4-Related Disorders and no experimental evidence demonstrating its impact on protein function have been reported. ClinVar contains an entry for this variant (Variation ID: 1302209). Based on the evidence outlined above, the variant was classified as VUS-possibly benign.

GeneDx
Classification: Likely benign. Last evaluated: 2021-04-12. Review status: criteria provided, single submitter. Criteria: GeneDx Variant Classification Process June 2021. Collection method: clinical testing. Allele origin: germline. Affected: yes.

PreventionGenetics, part of Exact Sciences
Classification: Likely benign for FAT4-related condition. Last evaluated: 2022-04-19. Review status: no assertion criteria provided. Collection method: clinical testing. Allele origin: germline. Not counted in ClinVar's aggregate classification.
Comment: This variant is classified as likely benign based on ACMG/AMP sequence variant interpretation guidelines (Richards et al. 2015 PMID: 25741868, with internal and published modifications).